The following is an entry in ClinVar:

ClinVar aggregate classification (germline): Uncertain significance. Review status: criteria provided, multiple submitters, no conflicts (2 of 4 stars). 2 submissions from 2 submitters: Uncertain significance (2). Last evaluated 2025-08-14.

Conditions:
Inborn genetic diseases. Identifiers: MedGen C0950123, MeSH D030342.

gnomAD v4.1: 10 of 1,595,852 alleles (0.00063%); highest among the groups gnomAD compares: Non-Finnish European, 0.00085%; no homozygotes.

Submissions (2):

Ambry Genetics
Classification: Uncertain significance for Inborn genetic diseases. Last evaluated: 2025-08-14. Review status: criteria provided, single submitter. Criteria: Ambry Variant Classification Scheme 2023. Collection method: clinical testing. Allele origin: germline.

Labcorp Genetics (formerly Invitae), Labcorp
Classification: Uncertain significance. Last evaluated: 2025-02-03. Review status: criteria provided, single submitter. Criteria: Invitae Variant Classification Sherloc (09022015). Collection method: clinical testing. Allele origin: germline.
Comment: This sequence change replaces threonine, which is neutral and polar, with alanine, which is neutral and non-polar, at codon 618 of the DNA2 protein (p.Thr618Ala). This variant is present in population databases (rs766587630, gnomAD 0.003%). This variant has not been reported in the literature in individuals affected with DNA2-related conditions. Invitae Evidence Modeling of protein sequence and biophysical properties (such as structural, functional, and spatial information, amino acid conservation, physicochemical variation, residue mobility, and thermodynamic stability) indicates that this missense variant is not expected to disrupt DNA2 protein function with a negative predictive value of 80%. In summary, the available evidence is currently insufficient to determine the role of this variant in disease. Therefore, it has been classified as a Variant of Uncertain Significance.

NM_001080449.3(DNA2):c.1852A>G (p.Thr618Ala)

Gene: DNA2 (DNA replication helicase/nuclease 2; minus strand). Cytogenetic location: 10q21.3.
Variant type: single nucleotide variant.
Coding change: c.1852A>G on transcript NM_001080449.3 (MANE Select); coding-DNA position 1852, A replaced by G.
Protein change: p.Thr618Ala; replaces threonine 618 with alanine.
Molecular consequence: missense variant. On other transcripts: non-coding transcript variant (1).
Genome position (GRCh38, 1-based): chr10:68,432,227, T>C on the plus strand (A>G on the coding strand, the complement: DNA2 is on the minus strand). VCF-style: chr10-68432227-T-C. GRCh37 (hg19) VCF-style: chr10-70191984-T-C.
Other names: c.1852A>G (NM_001080449.2); short protein forms T618A.
Identifiers: ClinVar variation 3614308 (VCV003614308.3).
Genomic context (GRCh38, chr10:68,432,227, plus strand): 5'-GAAAAATTAATCAAAGCAGACATGGTGATTTTAGCATACCCTTTAGAATGCAGGCAACTG[T>C]ATCCTTTGCATCATGTGGAAGAACAGAACTAAGGTAGGATATAAACTGAGGTTCACGAAA-3'
Protein context (NP_001073918.2, residues 608-628): SSVLPHDAKD[Thr618Ala]VACILKGLNK